The following is an entry in ClinVar:

NM_004656.4(BAP1):c.383G>A (p.Gly128Glu)

Gene: BAP1 (BRCA1 associated deubiquitinase 1; minus strand). Cytogenetic location: 3p21.1.
Variant type: single nucleotide variant.
Coding change: c.383G>A on transcript NM_004656.4 (MANE Select); coding-DNA position 383, G replaced by A.
Protein change: p.Gly128Glu; replaces glycine 128 with glutamic acid.
Molecular consequence: missense variant.
Genome position (GRCh38, 1-based): chr3:52,407,453, C>T on the plus strand (G>A on the coding strand, the complement: BAP1 is on the minus strand). VCF-style: chr3-52407453-C-T. GRCh37 (hg19) VCF-style: chr3-52441469-C-T.
Other names: c.383G>A (NM_004656.2); short protein forms G128E.
Identifiers: ClinVar variation 628073 (VCV000628073.7), dbSNP rs1559590768, ClinGen allele CA353111265.

ClinVar aggregate classification (germline): Uncertain significance. Review status: criteria provided, multiple submitters, no conflicts (2 of 4 stars). 2 submissions from 2 submitters: Uncertain significance (2). Last evaluated 2025-04-01.

Conditions:
Hereditary cancer-predisposing syndrome. Also called: Neoplastic Syndromes, Hereditary; Tumor predisposition; Hereditary neoplastic syndrome; Hereditary Cancer Syndrome. Identifiers: Orphanet 140162, MedGen C0027672, MeSH D009386, MONDO:0015356.

Allele frequency attached by ClinVar (database versions not stated): gnomAD exomes below 0.00001.
gnomAD v4.1: 1 of 1,614,186 alleles (0.000062%); highest among the groups gnomAD compares: African/African-American, 0.0013%; no homozygotes.

Submissions (2):

Ambry Genetics
Classification: Uncertain significance for Hereditary cancer-predisposing syndrome. Last evaluated: 2025-04-01. Review status: criteria provided, single submitter. Criteria: Ambry Variant Classification Scheme 2023. Collection method: clinical testing. Allele origin: germline.
Comment: The p.G128E variant (also known as c.383G>A), located in coding exon 6 of the BAP1 gene, results from a G to A substitution at nucleotide position 383. The glycine at codon 128 is replaced by glutamic acid, an amino acid with similar properties. This amino acid position is highly conserved in available vertebrate species. In addition, this alteration is predicted to be deleterious by in silico analysis. Based on the available evidence, the clinical significance of this variant remains unclear.

Color Diagnostics, LLC DBA Color Health
Classification: Uncertain significance for Hereditary cancer-predisposing syndrome. Last evaluated: 2019-12-10. Review status: criteria provided, single submitter. Criteria: ACMG Guidelines, 2015. Collection method: clinical testing. Allele origin: germline.
Comment: This missense variant replaces glycine with glutamic acid at codon 128 of the BAP1 protein. Computational prediction suggests that this variant may have deleterious impact on protein structure and function (internally defined REVEL score threshold >= 0.7, PMID: 27666373). Splice site prediction tools suggest that this variant may not impact RNA splicing. To our knowledge, functional studies have not been performed for this variant. This variant has not been reported in individuals affected with hereditary cancer in the literature. This variant has not been identified in the general population by the Genome Aggregation Database (gnomAD). The available evidence is insufficient to determine the role of this variant in disease conclusively. Therefore, this variant is classified as a Variant of Uncertain Significance.